The following is an entry in ClinVar:

NM_000419.5(ITGA2B):c.2678del (p.Phe893fs)

Gene: ITGA2B (integrin subunit alpha 2b; minus strand). Cytogenetic location: 17q21.31.
Variant type: Deletion.
Coding change: c.2678del on transcript NM_000419.5 (MANE Select); coding-DNA position 2678, one base deleted (T; older notation c.2678delT).
Protein change: p.Phe893fs; shifts the reading frame from phenylalanine 893.
Molecular consequence: frameshift variant.
Genome position (GRCh38, 1-based): chr17:44,375,640, A deleted on the plus strand (T on the coding strand, the reverse complement: ITGA2B is on the minus strand); the first of 2 consecutive A bases (chr17:44,375,640-44,375,641); deleting either gives the same sequence. VCF-style (leftmost placement, unchanged base first): chr17-44375639-GA-G. GRCh37 (hg19) VCF-style: chr17-42453007-GA-G.
Other names: short protein forms F893fs.
Identifiers: ClinVar variation 4531657 (VCV004531657.1).

ClinVar aggregate classification (germline): Pathogenic (1 of 4 stars; one submission).

Conditions:
Glanzmann thrombasthenia 1 (GT1). Also called: BLEEDING DISORDER, PLATELET-TYPE, 2; GP IIb-IIIa COMPLEX DEFICIENCY; GLYCOPROTEIN COMPLEX IIb-IIIa DEFICIENCY; PLATELET FIBRINOGEN RECEPTOR DEFICIENCY. Identifiers: MedGen CN300358, MONDO:0031332, OMIM 273800.

Submission:

Victorian Clinical Genetics Services, Murdoch Childrens Research Institute
Classification: Pathogenic for Glanzmann thrombasthenia 1. Last evaluated: 2024-12-23. Review status: criteria provided, single submitter. Criteria: ACMG Guidelines, 2015. Collection method: clinical testing. Allele origin: germline. Affected: yes.
Comment: This variant is classified as Pathogenic. Evidence in support of pathogenic classification: Variant is predicted to cause nonsense-mediated decay (NMD) and loss of protein (premature termination codon is located at least 54 nucleotides upstream of the final exon-exon junction); Variant is absent from gnomAD (v2, v3 and v4); Other NMD-predicted variant(s) comparable to the one identified in this case have very strong previous evidence for pathogenicity (DECIPHER). Additional information: This variant is heterozygous; This gene is associated with both recessive and dominant disease. It is associated with autosomal recessive Glanzmann thrombasthenia 1 (MIM#273800) and autosomal dominant bleeding disorder, platelet-type, 16 (MIM#187800); This variant has no previous evidence of pathogenicity; No published segregation evidence has been identified for this variant; No published functional evidence has been identified for this variant; Loss of function and gain of function are known mechanisms of disease in this gene and are associated with disease. LoF is associated with autosomal recessive Glanzmann thrombasthenia 1 (MIM#273800) while GoF is associated with autosomal dominant bleeding disorder, platelet-type, 16 (MIM#187800) (PMIDs: 21454453, 24498605); Inheritance information for this variant is not currently available in this individual.

Literature cited by the submitters: PubMed 21454453; PubMed 24498605.